The following is an entry in ClinVar:

NM_003482.4(KMT2D):c.11180G>A (p.Arg3727His)

Gene: KMT2D (lysine methyltransferase 2D; minus strand). Cytogenetic location: 12q13.12.
Variant type: single nucleotide variant.
Coding change: c.11180G>A on transcript NM_003482.4 (MANE Select); coding-DNA position 11180, G replaced by A.
Protein change: p.Arg3727His; replaces arginine 3727 with histidine.
Molecular consequence: missense variant.
Genome position (GRCh38, 1-based): chr12:49,033,525, C>T on the plus strand (G>A on the coding strand, the complement: KMT2D is on the minus strand). VCF-style: chr12-49033525-C-T. GRCh37 (hg19) VCF-style: chr12-49427308-C-T.
Other names: short protein forms R3727H.
Identifiers: ClinVar variation 597355 (VCV000597355.15), dbSNP rs777628634, ClinGen allele CA6546351.
Genomic context (GRCh38, chr12:49,033,525, plus strand): 5'-AGGTGCTGCTGCTGCTGTTGCTGCTGCTGCTGCTGCTGCAGTTTCTGGGCCAGCTGCATA[C>T]GTTGCTGCTGCAGCTGCAGCTGCCTTTCCTGTAAAAGCCTTGAATCAGGTCCGAGGCTTC-3'
Protein context (NP_003473.3, residues 3717-3737): QERQLQLQQQ[Arg3727His]MQLAQKLQQQ

ClinVar aggregate classification (germline): Conflicting classifications of pathogenicity. Review status: criteria provided, conflicting classifications (1 of 4 stars). 3 submissions from 3 submitters: Uncertain significance (1); Benign (1); Likely benign (1). Last evaluated 2026-08-11.

Conditions:
Kabuki syndrome. Also called: Kabuki make-up syndrome; NIIKAWA-KUROKI SYNDROME. Identifiers: Orphanet 2322, MedGen C0796004, MONDO:0016512.
KMT2D-related disorder. Also called: KMT2D-Related Disorders.

Allele frequency attached by ClinVar (database versions not stated): ExAC 0.00003; gnomAD 0.00004; gnomAD exomes 0.00004; TOPMed 0.00004.
gnomAD v4.1: 144 of 1,612,706 alleles (0.0089%); highest among the groups gnomAD compares: Middle Eastern, 0.016%; no homozygotes.

Submissions (3):

PreventionGenetics, part of Exact Sciences
Classification: Likely benign for KMT2D-related condition. Last evaluated: 2026-08-11. Review status: criteria provided, single submitter. Criteria: ACMG Guidelines, 2015. Collection method: clinical testing. Allele origin: germline.
Comment: This variant is classified as likely benign based on ACMG/AMP sequence variant interpretation guidelines (Richards et al. 2015 PMID: 25741868, with internal and published modifications).

Labcorp Genetics (formerly Invitae), Labcorp
Classification: Benign for Kabuki syndrome. Last evaluated: 2026-01-06. Review status: criteria provided, single submitter. Criteria: Invitae Variant Classification Sherloc (09022015). Collection method: clinical testing. Allele origin: germline.

Eurofins Ntd Llc (ga)
Classification: Uncertain significance. Last evaluated: 2018-06-19. Review status: criteria provided, single submitter. Criteria: EGL ClinVar v180209 classification definitions. Collection method: clinical testing. Allele origin: germline. Observed: 1 variant allele, 1 heterozygote.